The following is an entry in ClinVar:

ClinVar aggregate classification (germline): Benign. Review status: criteria provided, multiple submitters, no conflicts (2 of 4 stars). 4 submissions from 4 submitters: Benign (3). 1 of the submissions does not count toward it. Last evaluated 2024-11-27.

Conditions:
Intellectual developmental disorder, autosomal recessive 71. Also called: MENTAL RETARDATION, AUTOSOMAL RECESSIVE 71. Identifiers: MedGen C5193133, MONDO:0032789, OMIM 618504.
ALKBH8-related disorder. Also called: ALKBH8-related condition.

Allele frequency attached by ClinVar (database versions not stated): 1000 Genomes Project 30x 0.33948; 1000 Genomes Project 0.34465; TOPMed 0.42827; gnomAD 0.45284 and 0.45699; gnomAD exomes 0.45654 and 0.52919; ESP Exome Variant Server 0.47328; ExAC 0.47863.
gnomAD v4.1: 807,146 of 1,549,972 alleles (52%); highest among the groups gnomAD compares: Non-Finnish European, 56%; 218,281 homozygotes.

Submissions (7):

Blueprint Genetics
Classification: Benign. Last evaluated: 2024-11-27. Review status: criteria provided, single submitter. Criteria: ACMG Guidelines, 2015. Collection method: clinical testing. Allele origin: germline.

Genome-Nilou Lab
Classification: Benign for Intellectual developmental disorder, autosomal recessive 71. Last evaluated: 2021-07-14. Review status: criteria provided, single submitter. Criteria: ACMG Guidelines, 2015. Collection method: clinical testing. Allele origin: germline. Affected: no.

Breakthrough Genomics
Classification: Benign. Review status: criteria provided, single submitter. Criteria: ACMG Guidelines, 2015. Collection method: not provided. Allele origin: germline. Inheritance: Autosomal recessive inheritance. Affected: yes.

PreventionGenetics, part of Exact Sciences
Classification: Benign for ALKBH8-related condition. Last evaluated: 2019-10-30. Review status: no assertion criteria provided. Collection method: clinical testing. Allele origin: germline. Not counted in ClinVar's aggregate classification.
Comment: This variant is classified as benign based on ACMG/AMP sequence variant interpretation guidelines (Richards et al. 2015 PMID: 25741868, with internal and published modifications).

Dr. Peter K. Rogan Lab, Western University
No classification provided (evidence only). Condition: Lung cancer. Review status: no classification provided. Collection method: in vitro. Allele origin: not applicable. Functional consequence: retained intron. Not counted in ClinVar's aggregate classification.

Dr. Peter K. Rogan Lab, Western University
No classification provided (evidence only). Condition: Lung cancer. Review status: no classification provided. Collection method: in vitro. Allele origin: not applicable. Functional consequence: retained intron. Not counted in ClinVar's aggregate classification.

Dr. Peter K. Rogan Lab, Western University
No classification provided (evidence only). Condition: Hepatocellular carcinoma. Review status: no classification provided. Collection method: in vitro. Allele origin: not applicable. Functional consequence: retained intron. Not counted in ClinVar's aggregate classification.

NM_138775.3(ALKBH8):c.1288-3C>T

Gene: ALKBH8 (alkB homolog 8, tRNA methyltransferase; minus strand). Cytogenetic location: 11q22.3.
Variant type: single nucleotide variant.
Coding change: c.1288-3C>T on transcript NM_138775.3 (MANE Select); 3 bases into the intron before coding-DNA position 1288, C replaced by T.
Molecular consequence: intron variant.
Genome position (GRCh38, 1-based): chr11:107,511,039, G>A on the plus strand (C>T on the coding strand, the complement: ALKBH8 is on the minus strand). VCF-style: chr11-107511039-G-A. GRCh37 (hg19) VCF-style: chr11-107381765-G-A.
Other names: NC_000011.9:g.107381765G>A; c.1297-3C>T (NM_001301010.1); c.1288-5824C>T (NM_001378133.1); c.1288-3C>T (NM_001301010.3).
Identifiers: ClinVar variation 1188965 (VCV001188965.8), dbSNP rs654093, ClinGen allele CA6261048.